The following is an entry in ClinVar:

ClinVar aggregate classification (germline): Uncertain significance (1 of 4 stars; one submission).

Conditions:
Inborn genetic diseases. Identifiers: MedGen C0950123, MeSH D030342.

Allele frequency attached by ClinVar (database versions not stated): gnomAD exomes below 0.00001.
gnomAD v4.1: 2 of 1,613,794 alleles (0.00012%); highest among the groups gnomAD compares: Non-Finnish European, 0.00017%; no homozygotes.

Submission:

Ambry Genetics
Classification: Uncertain significance for Inborn genetic diseases. Last evaluated: 2021-09-13. Review status: criteria provided, single submitter. Criteria: Ambry Variant Classification Scheme 2023. Collection method: clinical testing. Allele origin: germline.
Comment: The p.A1792T variant (also known as c.5374G>A), located in coding exon 31 of the ATR gene, results from a G to A substitution at nucleotide position 5374. The alanine at codon 1792 is replaced by threonine, an amino acid with similar properties. This amino acid position is conserved. In addition, this alteration is predicted to be tolerated by in silico analysis. Since supporting evidence is limited at this time, the clinical significance of this alteration remains unclear.

NM_001184.4(ATR):c.5374G>A (p.Ala1792Thr)

Gene: ATR (ATR checkpoint kinase; minus strand). Cytogenetic location: 3q23.
Variant type: single nucleotide variant.
Coding change: c.5374G>A on transcript NM_001184.4 (MANE Select); coding-DNA position 5374, G replaced by A.
Protein change: p.Ala1792Thr; replaces alanine 1792 with threonine.
Molecular consequence: missense variant.
Genome position (GRCh38, 1-based): chr3:142,499,633, C>T on the plus strand (G>A on the coding strand, the complement: ATR is on the minus strand). VCF-style: chr3-142499633-C-T. GRCh37 (hg19) VCF-style: chr3-142218475-C-T.
Other names: c.5182G>A, p.Ala1728Thr (NM_001354579.2); short protein forms A1792T, A1728T.
Identifiers: ClinVar variation 1747115 (VCV001747115.2), dbSNP rs1400794830, ClinGen allele CA354816696.